The following is an entry in ClinVar:

ClinVar aggregate classification (germline): Uncertain significance (1 of 4 stars; one submission).

Conditions:
Spermatogenic failure 18. Identifiers: MedGen C4539783, MONDO:0054615, OMIM 617576.
Ciliary dyskinesia, primary, 37 (CILD37). Also called: CILIARY DYSKINESIA, PRIMARY, 37, WITH OR WITHOUT SITUS INVERSUS. Identifiers: MedGen C4539798, MONDO:0033204, OMIM 617577.

Allele frequency attached by ClinVar (database versions not stated): TOPMed 0.00001.

Submission:

Labcorp Genetics (formerly Invitae), Labcorp
Classification: Uncertain significance for Ciliary dyskinesia, primary, 37; Spermatogenic failure 18. Last evaluated: 2023-03-14. Review status: criteria provided, single submitter. Criteria: Invitae Variant Classification Sherloc (09022015). Collection method: clinical testing. Allele origin: germline.
Comment: This variant has not been reported in the literature in individuals affected with DNAH1-related conditions. Advanced modeling of protein sequence and biophysical properties (such as structural, functional, and spatial information, amino acid conservation, physicochemical variation, residue mobility, and thermodynamic stability) has been performed at Invitae for this missense variant, however the output from this modeling did not meet the statistical confidence thresholds required to predict the impact of this variant on DNAH1 protein function. In summary, the available evidence is currently insufficient to determine the role of this variant in disease. Therefore, it has been classified as a Variant of Uncertain Significance. This variant is not present in population databases (gnomAD no frequency). This sequence change replaces proline, which is neutral and non-polar, with histidine, which is basic and polar, at codon 2345 of the DNAH1 protein (p.Pro2345His).

NM_015512.5(DNAH1):c.7034C>A (p.Pro2345His)

Gene: DNAH1 (dynein axonemal heavy chain 1; plus strand). Cytogenetic location: 3p21.1.
Variant type: single nucleotide variant.
Coding change: c.7034C>A on transcript NM_015512.5 (MANE Select); coding-DNA position 7034, C replaced by A.
Protein change: p.Pro2345His; replaces proline 2345 with histidine.
Molecular consequence: missense variant.
Genome position (GRCh38, 1-based): chr3:52,375,288, C>A. VCF-style: chr3-52375288-C-A. GRCh37 (hg19) VCF-style: chr3-52409304-C-A.
Other names: short protein forms P2345H.
Identifiers: ClinVar variation 2927192 (VCV002927192.3), dbSNP rs1054367308, ClinGen allele CA353170593.